The following is an entry in ClinVar:

NM_000152.5(GAA):c.1645G>A (p.Gly549Arg)

Gene: GAA (alpha glucosidase; plus strand). Cytogenetic location: 17q25.3.
Variant type: single nucleotide variant.
Coding change: c.1645G>A on transcript NM_000152.5 (MANE Select); coding-DNA position 1645, G replaced by A.
Protein change: p.Gly549Arg; replaces glycine 549 with arginine.
Molecular consequence: missense variant.
Genome position (GRCh38, 1-based): chr17:80,111,991, G>A. VCF-style: chr17-80111991-G-A. GRCh37 (hg19) VCF-style: chr17-78085790-G-A.
Other names: NM_000152.5(GAA):c.1645G>A; p.Gly549Arg; c.1645G>A, p.Gly549Arg (NM_001079803.3, NM_001079804.3, NM_001406741.1 and 1 more transcripts); short protein forms G549R.
Identifiers: ClinVar variation 2202283 (VCV002202283.7), dbSNP rs780800306, ClinGen allele CA401368765.

ClinVar aggregate classification (germline): Likely pathogenic. Review status: reviewed by expert panel (3 of 4 stars). 4 submissions from 4 submitters: Likely pathogenic (1). 3 of the submissions do not count toward it. Last evaluated 2026-06-02.

Conditions:
Glycogen storage disease, type II (IOPD). Also called: CARDIOMEGALIA GLYCOGENICA DIFFUSA; GLYCOGENOSIS, GENERALIZED, CARDIAC FORM; GSD II; Glycogen storage disease type 2; Acid maltase deficiency disease; Aglucosidase alfa. Identifiers: Orphanet 365, MedGen C0017921, MONDO:0009290, OMIM 232300.

Submissions (4):

ClinGen Lysosomal Storage Disorder Variant Curation Expert Panel
Classification: Likely pathogenic for Glycogen storage disease, type II. Last evaluated: 2026-06-02. Review status: reviewed by expert panel. Criteria: clingen_lsd_acmg_specifications_v2-1. Collection method: curation. Allele origin: germline. Inheritance: Autosomal recessive inheritance.
Comment: The NM_000152.5:c.1645G>A variant in GAA is a missense variant predicted to cause substitution of glycine by arginine at amino acid 549 (p.Gly549Arg). This variant is absent in gnomAD v4.1.1 (PM2_Supporting). This variant has been reported in two probands diagnosed with Pompe disease. The first proband, diagnosed with juvenile-onset Pompe disease, was reported to have deficient GAA activity but values were not provided. This individual was reported to be compound heterozygous for this variant and an unidentified variant (PMID: 14695532). The second proband, diagnosed with infantile-onset Pompe disease, was also reported to have deficient GAA activity levels but values were not provided. This individual was reported to be compound heterozygous for this variant and an unidentified variant (PMID: 40225932) (PP4, PM3_Not Met). Expression of the variant in COS cells resulted in 13.0% wild-type GAA activity, 3.0% wild-type GAA activity in medium, and 18.6% glycogen compared to wild-type cells. Additionally, an aberrant pattern of processing was observed via Western blot, indicating the variant may impact protein synthesis (PMID: 14695532) (PS3_Supporting). The computational predictor REVEL gives a score of 0.878 which is above the threshold predicting a damaging impact on GAA function (>0.7) (PP3). The same amino acid change (p.Gly549Arg), resulting from a different nucleotide change (c.1645G>C; ClinVar Variation ID 3769497), is classified as likely pathogenic for Pompe disease by the ClinGen Lysosomal Diseases VCEP (Accession: SCV006333385.1) (PS1_Moderate). There is a ClinVar entry for this variant (Variation ID: 2202283). In summary, this variant meets the criteria to be classified as Likely Pathogenic for Pompe disease. GAA-specific ACMG/AMP criteria met, based on the specifications of the ClinGen Lysosomal Diseases VCEP (Specifications Version 2.0.0): PM2_Supporting, PP3, PS1_Moderate, PS3_Supporting, PP4. (Classification approved by the ClinGen Lysosomal Diseases Variant Curation Expert Panel, June 2, 2026).

Genomenon, Inc
Classification: Likely pathogenic for Glycogen storage disease, type II. Last evaluated: 2026-07-01. Review status: criteria provided, single submitter. Criteria: Genomenon Sequence Variant Interpretation Standards - Updated. Collection method: curation. Allele origin: germline. Affected: yes. Not counted in ClinVar's aggregate classification.
Comment: GAA p.Gly549Arg (c.1645G>A) is a missense variant that changes the amino acid at codon 549 from Glycine to Arginine. This variant has been observed in at least one proband with a GAA-related disorder in the compound heterozygous and/or homozygous state (PMID:27189384;22958975). At least one functional study has demonstrated a substantial alteration in protein function relative to the wild-type (PMID:14695532). It is absent or not present at a significant frequency in gnomAD. In silico models predict that this variant is possibly or probably damaging. In conclusion, we classify GAA p.Gly549Arg (c.1645G>A) as a likely pathogenic variant.

Women's Health and Genetics/Laboratory Corporation of America, LabCorp
Classification: Pathogenic for Glycogen storage disease, type II. Last evaluated: 2026-06-17. Review status: criteria provided, single submitter. Criteria: LabCorp Variant Classification Summary - May 2015. Collection method: clinical testing. Allele origin: germline. Not counted in ClinVar's aggregate classification.
Comment: Variant summary: GAA c.1645G>A (p.Gly549Arg) results in a non-conservative amino acid change in the encoded protein sequence. Algorithms developed to predict the effect of missense changes on protein structure and function all suggest that this variant is likely to be disruptive. The variant was absent in 250432 control chromosomes. c.1645G>A has been observed in at least one individual affected with Glycogen Storage Disease, Type 2 (Pompe Disease) (Hermans_2004, van Capelle_2016). A different variant resulting in the same amino acid consequence has been classified as pathogenic by our lab (c.1645G>C), supporting the pathogenicity of this variant. Publications have reported experimental evidence evaluating an impact on protein function and found that the variant impairs the normal processing and maturation of the protein and the most pronounced variant effect resulted in <10% of normal activity in vitro (e.g. Hermans_2004, Montalvo_2006, Porto_2012). The following publications have been ascertained in the context of this evaluation (PMID: 14695532, 16917947, 22990675, 27189384). ClinVar contains an entry for this variant (Variation ID: 2202283). Based on the evidence outlined above, the variant was classified as pathogenic.

Labcorp Genetics (formerly Invitae), Labcorp
Classification: Pathogenic for Glycogen storage disease, type II. Last evaluated: 2023-08-25. Review status: criteria provided, single submitter. Criteria: Invitae Variant Classification Sherloc (09022015). Collection method: clinical testing. Allele origin: germline. Not counted in ClinVar's aggregate classification.
Comment: This sequence change replaces glycine, which is neutral and non-polar, with arginine, which is basic and polar, at codon 549 of the GAA protein (p.Gly549Arg). This variant is not present in population databases (gnomAD no frequency). This missense change has been observed in individual(s) with Pompe disease (PMID: 14695532, 16917947). In at least one individual the data is consistent with being in trans (on the opposite chromosome) from a pathogenic variant. ClinVar contains an entry for this variant (Variation ID: 2202283). Advanced modeling of protein sequence and biophysical properties (such as structural, functional, and spatial information, amino acid conservation, physicochemical variation, residue mobility, and thermodynamic stability) performed at Invitae indicates that this missense variant is expected to disrupt GAA protein function. Experimental studies have shown that this missense change affects GAA function (PMID: 14695532, 16917947, 17213836, 19862843, 22990675, 25036864). Algorithms developed to predict the effect of sequence changes on RNA splicing suggest that this variant may disrupt the consensus splice site. For these reasons, this variant has been classified as Pathogenic.

Literature cited by the submitters: PubMed 27189384 (cited by Genomenon, Inc and Women's Health and Genetics/Laboratory Corporation of America, LabCorp); PubMed 22958975 (cited by Genomenon, Inc); PubMed 14695532 (cited by 3 submitters); PubMed 16917947 (cited by Women's Health and Genetics/Laboratory Corporation of America, LabCorp and Labcorp Genetics (formerly Invitae), Labcorp); PubMed 22990675 (cited by Women's Health and Genetics/Laboratory Corporation of America, LabCorp and Labcorp Genetics (formerly Invitae), Labcorp); PubMed 17213836 (cited by Labcorp Genetics (formerly Invitae), Labcorp); PubMed 19862843 (cited by Labcorp Genetics (formerly Invitae), Labcorp); PubMed 25036864 (cited by Labcorp Genetics (formerly Invitae), Labcorp).